The following is an entry in ClinVar:

NM_014009.4(FOXP3):c.1040G>A (p.Arg347His)

Gene: FOXP3 (forkhead box P3; minus strand). Cytogenetic location: Xp11.23.
Variant type: single nucleotide variant.
Coding change: c.1040G>A on transcript NM_014009.4 (MANE Select); coding-DNA position 1040, G replaced by A.
Protein change: p.Arg347His; replaces arginine 347 with histidine.
Molecular consequence: missense variant.
Genome position (GRCh38, 1-based): chrX:49,253,130, C>T on the plus strand (G>A on the coding strand, the complement: FOXP3 is on the minus strand). VCF-style: chrX-49253130-C-T. GRCh37 (hg19) VCF-style: chrX-49109591-C-T.
Other names: c.935G>A, p.Arg312His (NM_001114377.2); short protein forms R312H, R347H.
Identifiers: ClinVar variation 647073 (VCV000647073.44), dbSNP rs1557115786, ClinGen allele CA412950086.
Genomic context (GRCh38, chrX:49,253,130, plus strand): 5'-GGTCCCCCACCCCATCTTTGTCTTCCTCCTCCTTGGGGCCGAGCTGCCCTGCTTACCCAG[C>T]GGATGAGCGTGGCGTAGGTGAAAGGGGGTCGCATGTTGTGGAACTTGAAGTAGTCCATGT-3'
Protein context (NP_054728.2, residues 337-357): RPPFTYATLI[Arg347His]WAILEAPEKQ

ClinVar aggregate classification (germline): Pathogenic/Likely risk allele. Review status: criteria provided, multiple submitters, no conflicts (2 of 4 stars). 4 submissions from 4 submitters: Pathogenic (3); Likely risk allele (1). Last evaluated 2023-04-01.

Conditions:
Insulin-dependent diabetes mellitus secretory diarrhea syndrome (IPEX). Also called: IMMUNODEFICIENCY, POLYENDOCRINOPATHY, AND ENTEROPATHY, X-LINKED; Immunodysregulation, polyendocrinopathy, and enteropathy, X-linked; X-Linked Autoimmunity-Allergic Dysregulation Syndrome; Immune dysregulation-polyendocrinopathy-enteropathy-X-linked syndrome; IPEX and IPEX-Like; Immunodeficiency, Polyendocrinopathy, and Enteropathy X-Linked Syndrome. Identifiers: Orphanet 37042, MedGen C0342288, MONDO:0010580, OMIM 304790. Disease mechanism: loss of function.

Submissions (4):

CeGaT Center for Human Genetics Tuebingen
Classification: Pathogenic. Last evaluated: 2023-04-01. Review status: criteria provided, single submitter. Criteria: CeGaT Center For Human Genetics Tuebingen Variant Classification Criteria Version 2. Collection method: clinical testing. Allele origin: germline. Affected: yes. Observed: 2 variant alleles.
Comment: FOXP3: PM1, PM2, PS3:Moderate, PS4:Moderate, PP3, PP4

Labcorp Genetics (formerly Invitae), Labcorp
Classification: Pathogenic for Insulin-dependent diabetes mellitus secretory diarrhea syndrome. Last evaluated: 2022-09-20. Review status: criteria provided, single submitter. Criteria: Invitae Variant Classification Sherloc (09022015). Collection method: clinical testing. Allele origin: germline.
Comment: Advanced modeling of protein sequence and biophysical properties (such as structural, functional, and spatial information, amino acid conservation, physicochemical variation, residue mobility, and thermodynamic stability) performed at Invitae indicates that this missense variant is expected to disrupt FOXP3 protein function. ClinVar contains an entry for this variant (Variation ID: 647073). This missense change has been observed in individuals with IPEX syndrome (PMID: 12161590, 18951619, 25326164, 26661331, 31990476). This variant is not present in population databases (gnomAD no frequency). This sequence change replaces arginine, which is basic and polar, with histidine, which is basic and polar, at codon 347 of the FOXP3 protein (p.Arg347His). Experimental studies have shown that this missense change affects FOXP3 function (PMID: 16920951, 21036387). For these reasons, this variant has been classified as Pathogenic.

Mayo Clinic Laboratories, Mayo Clinic
Classification: Pathogenic. Last evaluated: 2020-03-13. Review status: criteria provided, single submitter. Criteria: ACMG Guidelines, 2015. Collection method: clinical testing. Allele origin: germline. Observed: 3 variant alleles.
Comment: PS2, PS3, PS4, PM1, PM2, PP3, PP4

Clinical Genomics, Uppaluri K&H Personalized Medicine Clinic
Classification: Likely risk allele for Insulin-dependent diabetes mellitus secretory diarrhea syndrome. Review status: criteria provided, single submitter. Criteria: K & H Uppaluri Personalized Medicine Clinic Variant Classification & Assertion Criteria_Updated V.1. Collection method: research. Allele origin: unknown. Inheritance: X-linked recessive inheritance.
Comment: Potent mutations in FOXP3 gene are associated with a rare X linked condition called IPEX. It presents with immune dysregulation, secretory diarrhea, polyendocrinopathy which includes diabtes type 1, thyroiditis, growth hormone deficiency and hypoadrenalism. It is associated with pancreatic beta cell destruction.However no sufficient evidence is found to ascertain the role of this particular variant rs1557115786, yet.

Literature cited by the submitters: PubMed 12161590 (cited by Labcorp Genetics (formerly Invitae), Labcorp and Mayo Clinic Laboratories, Mayo Clinic); PubMed 18951619 (cited by Labcorp Genetics (formerly Invitae), Labcorp and Mayo Clinic Laboratories, Mayo Clinic); PubMed 25326164 (cited by Labcorp Genetics (formerly Invitae), Labcorp and Mayo Clinic Laboratories, Mayo Clinic); PubMed 26661331 (cited by Labcorp Genetics (formerly Invitae), Labcorp and Mayo Clinic Laboratories, Mayo Clinic); PubMed 31990476 (cited by Labcorp Genetics (formerly Invitae), Labcorp and Mayo Clinic Laboratories, Mayo Clinic); PubMed 16920951 (cited by Labcorp Genetics (formerly Invitae), Labcorp and Mayo Clinic Laboratories, Mayo Clinic); PubMed 21036387 (cited by Labcorp Genetics (formerly Invitae), Labcorp and Mayo Clinic Laboratories, Mayo Clinic); PubMed 19633572 (cited by Mayo Clinic Laboratories, Mayo Clinic); PubMed 22000569 (cited by Mayo Clinic Laboratories, Mayo Clinic); PubMed 29241729 (cited by Mayo Clinic Laboratories, Mayo Clinic); PubMed 30443250 (cited by Mayo Clinic Laboratories, Mayo Clinic); PubMed 29193502 (cited by Mayo Clinic Laboratories, Mayo Clinic and Clinical Genomics, Uppaluri K&H Personalized Medicine Clinic); PubMed 30191644 (cited by Mayo Clinic Laboratories, Mayo Clinic); PubMed 31027649 (cited by Mayo Clinic Laboratories, Mayo Clinic); PubMed 33194927 (cited by Clinical Genomics, Uppaluri K&H Personalized Medicine Clinic); PubMed 11137993 (cited by Clinical Genomics, Uppaluri K&H Personalized Medicine Clinic); PubMed 23313429 (cited by Clinical Genomics, Uppaluri K&H Personalized Medicine Clinic); PubMed 33523441 (cited by Clinical Genomics, Uppaluri K&H Personalized Medicine Clinic).